The following is an entry in ClinVar:

ClinVar aggregate classification (germline): Pathogenic/Likely pathogenic. Review status: criteria provided, multiple submitters, no conflicts (2 of 4 stars). 3 submissions from 3 submitters: Pathogenic (2); Likely pathogenic (1). Last evaluated 2026-07-22.

Conditions:
Cardiovascular phenotype. Identifiers: MedGen CN230736.
Hereditary cancer-predisposing syndrome. Also called: Hereditary Cancer Syndrome; Tumor predisposition; Hereditary neoplastic syndrome; Neoplastic Syndromes, Hereditary. Identifiers: Orphanet 140162, MedGen C0027672, MeSH D009386, MONDO:0015356.
Neurofibromatosis, type 1 (NF1). Also called: Neurofibromatosis, type I; Peripheral type neurofibromatosis; VON RECKLINGHAUSEN DISEASE; NEUROFIBROMATOSIS, TYPE I, SOMATIC. Identifiers: Orphanet 636, MedGen C0027831, MONDO:0018975, OMIM 162200. Disease mechanism: loss of function.

Submissions (3):

GeneDx
Classification: Likely pathogenic. Last evaluated: 2026-07-22. Review status: criteria provided, single submitter. Criteria: GeneDx Variant Classification Process June 2021. Collection method: clinical testing. Allele origin: germline.
Comment: Canonical splice site variant predicted to result in an in-frame loss of the adjacent exon in a gene for which loss of function is a known mechanism of disease; Not observed at significant frequency in large population cohorts (gnomAD); Deletions involving coding exons in this gene are frequently reported as pathogenic, regardless of frame prediction (HGMD); Has not been previously published as pathogenic or benign to our knowledge; This variant is associated with the following publications: (PMID: 23913538, 25486365)

Labcorp Genetics (formerly Invitae), Labcorp
Classification: Pathogenic for Neurofibromatosis, type 1. Last evaluated: 2025-07-14. Review status: criteria provided, single submitter. Criteria: Invitae Variant Classification Sherloc (09022015). Collection method: clinical testing. Allele origin: germline.
Comment: This sequence change affects an acceptor splice site in intron 45 of the NF1 gene. It is expected to disrupt RNA splicing. Variants that disrupt the donor or acceptor splice site typically lead to a loss of protein function (PMID: 16199547), and loss-of-function variants in NF1 are known to be pathogenic (PMID: 10712197, 23913538). This variant is not present in population databases (gnomAD no frequency). Disruption of this splice site has been observed in individual(s) with clinical features of neurofibromatosis, type 1 (internal data). ClinVar contains an entry for this variant (Variation ID: 428995). Algorithms developed to predict the effect of sequence changes on RNA splicing suggest that this variant may disrupt the consensus splice site. For these reasons, this variant has been classified as Pathogenic.

Ambry Genetics
Classification: Pathogenic for Cardiovascular phenotype; Hereditary cancer-predisposing syndrome. Last evaluated: 2016-05-14. Review status: criteria provided, single submitter. Criteria: Ambry Variant Classification Scheme 2023. Collection method: clinical testing. Allele origin: germline.
Comment: The c.6859-1G>C intronic pathogenic mutation results from a G to C substitution one nucleotide upstream from coding exon 46 of the NF1 gene. This mutation was detected in an individual meeting NIH diagnostic criteria for NF1 and was predicted to be a complex mutation leading to two different transcripts at the mRNA level, one which skips exons 36-38 and the other which skips exon 38 alone (Sabbagh A, et al. Hum. Mutat. 2013;34(11):1510-8). In addition to the clinical data presented in the literature, since alterations that disrupt the canonical splice acceptor site are typically deleterious in nature, this alteration is interpreted as a disease-causing mutation (ACMG Recommendations for Standards for Interpretation and Reporting of Sequence Variations. Revision 2007. Genet Med. 2008;10:294).

Literature cited by the submitters: PubMed 16199547 (cited by Labcorp Genetics (formerly Invitae), Labcorp); PubMed 10712197 (cited by Labcorp Genetics (formerly Invitae), Labcorp); PubMed 23913538 (cited by Labcorp Genetics (formerly Invitae), Labcorp).

NM_001042492.3(NF1):c.6922-1G>C

Gene: NF1 (neurofibromin 1; plus strand). Cytogenetic location: 17q11.2.
Variant type: single nucleotide variant.
Coding change: c.6922-1G>C on transcript NM_001042492.3 (MANE Select); the canonical splice acceptor site of the intron before coding-DNA position 6922, G replaced by C.
Molecular consequence: splice acceptor variant.
Genome position (GRCh38, 1-based): chr17:31,340,504, G>C. VCF-style: chr17-31340504-G-C. GRCh37 (hg19) VCF-style: chr17-29667522-G-C.
Other names: c.6859-1G>C (NM_000267.4).
Identifiers: ClinVar variation 428995 (VCV000428995.12), dbSNP rs1131691115, ClinGen allele CA399014838.